The following is an entry in ClinVar:

NM_014804.3(KIAA0753):c.2354T>C (p.Met785Thr)

Gene: KIAA0753 (KIAA0753; minus strand). Cytogenetic location: 17p13.1.
Variant type: single nucleotide variant.
Coding change: c.2354T>C on transcript NM_014804.3 (MANE Select); coding-DNA position 2354, T replaced by C.
Protein change: p.Met785Thr; replaces methionine 785 with threonine.
Molecular consequence: missense variant. On other transcripts: non-coding transcript variant (3).
Genome position (GRCh38, 1-based): chr17:6,596,162, A>G on the plus strand (T>C on the coding strand, the complement: KIAA0753 is on the minus strand). VCF-style: chr17-6596162-A-G. GRCh37 (hg19) VCF-style: chr17-6499482-A-G.
Other names: c.1457T>C, p.Met486Thr (NM_001351225.2); short protein forms M486T, M785T.
Identifiers: ClinVar variation 1448581 (VCV001448581.6), dbSNP rs771712710, ClinGen allele CA8330187.

ClinVar aggregate classification (germline): Uncertain significance (1 of 4 stars; one submission).

Allele frequency attached by ClinVar (database versions not stated): gnomAD exomes below 0.00001; ExAC 0.00001.
gnomAD v4.1: 2 of 1,613,170 alleles (0.00012%); highest among the groups gnomAD compares: East Asian, 0.0022%; no homozygotes.

Submission:

Labcorp Genetics (formerly Invitae), Labcorp
Classification: Uncertain significance. Last evaluated: 2021-11-23. Review status: criteria provided, single submitter. Criteria: Invitae Variant Classification Sherloc (09022015). Collection method: clinical testing. Allele origin: germline.
Comment: This sequence change replaces methionine, which is neutral and non-polar, with threonine, which is neutral and polar, at codon 785 of the KIAA0753 protein (p.Met785Thr). This variant is present in population databases (rs771712710, gnomAD 0.006%). This variant has not been reported in the literature in individuals affected with KIAA0753-related conditions. Algorithms developed to predict the effect of missense changes on protein structure and function (SIFT, PolyPhen-2, Align-GVGD) all suggest that this variant is likely to be disruptive. In summary, the available evidence is currently insufficient to determine the role of this variant in disease. Therefore, it has been classified as a Variant of Uncertain Significance.